The following is an entry in ClinVar:

ClinVar aggregate classification (germline): Likely pathogenic (1 of 4 stars; one submission).

Allele frequency attached by ClinVar (database versions not stated): gnomAD exomes below 0.00001.
gnomAD v4.1: 1 of 1,568,382 alleles (0.000064%); highest among the groups gnomAD compares: Non-Finnish European, 0.000088%; no homozygotes.

Submission:

GeneDx
Classification: Likely pathogenic. Last evaluated: 2018-01-30. Review status: criteria provided, single submitter. Criteria: GeneDx Variant Classification (06012015). Collection method: clinical testing. Allele origin: germline. Affected: yes.
Comment: The E1318X variant in the LRPPRC gene has not been reported previously as a pathogenic variant nor as a benign variant, to our knowledge. This variant is predicted to cause loss of normal protein function either through protein truncation or nonsense-mediated mRNA decay. The E1318X variant is not observed in large population cohorts (Lek et al., 2016). We interpret E1318X as a likely pathogenic variant.

NM_133259.4(LRPPRC):c.3952G>T (p.Glu1318Ter)

Gene: LRPPRC (leucine rich pentatricopeptide repeat containing; minus strand). Cytogenetic location: 2p21.
Variant type: single nucleotide variant.
Coding change: c.3952G>T on transcript NM_133259.4 (MANE Select); coding-DNA position 3952, G replaced by T.
Protein change: p.Glu1318Ter; replaces glutamic acid 1318 with a stop codon.
Molecular consequence: nonsense.
Genome position (GRCh38, 1-based): chr2:43,894,578, C>A on the plus strand (G>T on the coding strand, the complement: LRPPRC is on the minus strand). VCF-style: chr2-43894578-C-A. GRCh37 (hg19) VCF-style: chr2-44121717-C-A.
Other names: short protein forms E1318*.
Identifiers: ClinVar variation 489361 (VCV000489361.2), dbSNP rs1266345519, ClinGen allele CA346674799.